The following is an entry in ClinVar:

ClinVar aggregate classification (germline): Uncertain significance. Review status: criteria provided, multiple submitters, no conflicts (2 of 4 stars). 2 submissions from 2 submitters: Uncertain significance (2). Last evaluated 2024-10-15.

Conditions:
Developmental and epileptic encephalopathy, 9 (DEE9). Also called: EPILEPSY, FEMALE-RESTRICTED, WITH MENTAL RETARDATION; Early infantile epileptic encephalopathy 9; JUBERG-HELLMAN SYNDROME; PCDH19-Related X-Linked Female-Limited Epilepsy with Mental Retardation. Identifiers: Orphanet 101039, Orphanet 2076, MedGen C1848137, MONDO:0010246, OMIM 300088. Disease mechanism: loss of function.

Allele frequency attached by ClinVar (database versions not stated): TOPMed below 0.00001; gnomAD 0.00001; gnomAD exomes 0.00001 and 0.00002.

Submissions (2):

Labcorp Genetics (formerly Invitae), Labcorp
Classification: Uncertain significance for Developmental and epileptic encephalopathy, 9. Last evaluated: 2024-10-15. Review status: criteria provided, single submitter. Criteria: Invitae Variant Classification Sherloc (09022015). Collection method: clinical testing. Allele origin: germline.
Comment: This sequence change replaces threonine, which is neutral and polar, with isoleucine, which is neutral and non-polar, at codon 1032 of the PCDH19 protein (p.Thr1032Ile). This variant is present in population databases (rs796052793, gnomAD 0.004%). This variant has not been reported in the literature in individuals affected with PCDH19-related conditions. ClinVar contains an entry for this variant (Variation ID: 206305). Invitae Evidence Modeling of protein sequence and biophysical properties (such as structural, functional, and spatial information, amino acid conservation, physicochemical variation, residue mobility, and thermodynamic stability) indicates that this missense variant is not expected to disrupt PCDH19 protein function with a negative predictive value of 95%. In summary, the available evidence is currently insufficient to determine the role of this variant in disease. Therefore, it has been classified as a Variant of Uncertain Significance.

GeneDx
Classification: Uncertain significance. Last evaluated: 2013-01-21. Review status: criteria provided, single submitter. Criteria: GeneDx Variant Classification (06012015). Collection method: clinical testing. Allele origin: germline. Affected: yes.
Comment: This variant is denoted p.Thr985Ile (ACC>ATC): c.2954 C>T in exon 5 of the PCDH19 gene (NM_001105243.1). The Thr985Ile missense change has not been published as a mutation, nor has it been reported as a benign polymorphism to our knowledge. The NHLBI ESP Exome Variant Project has not identified Thr985Ile in approximately 6,200 individuals of European or African American ethnicity, indicating that it is not a common benign variant in these populations. The amino acid substitution is non-conservative, as a polar Threonine residue is replaced by a non-polar Isoleucine residue. However, Thr985Ile alters a position that is not well conserved in the intracellular C-terminal region of the protein and other missense mutations have not been reported in this region of the protein in association with epilepsy. In addition, multiple in-silico algorithms predict that Thr985Ile is a likely benign change. Therefore, based on the currently available information, it is unclear whether Thr985Ile is a disease-causing mutation or a rare benign variant. The variant is found in EPILEPSY panel(s).

NM_001184880.2(PCDH19):c.3095C>T (p.Thr1032Ile)

Gene: PCDH19 (protocadherin 19; minus strand). Cytogenetic location: Xq22.1.
Variant type: single nucleotide variant.
Coding change: c.3095C>T on transcript NM_001184880.2 (MANE Select); coding-DNA position 3095, C replaced by T.
Protein change: p.Thr1032Ile; replaces threonine 1032 with isoleucine.
Molecular consequence: missense variant.
Genome position (GRCh38, 1-based): chrX:100,296,629, G>A on the plus strand (C>T on the coding strand, the complement: PCDH19 is on the minus strand). VCF-style: chrX-100296629-G-A. GRCh37 (hg19) VCF-style: chrX-99551627-G-A.
Other names: p.T985I:ACC>ATC; c.2954C>T, p.Thr985Ile (NM_001105243.2); c.2951C>T, p.Thr984Ile (NM_020766.3); short protein forms T1032I, T985I, T984I.
Identifiers: ClinVar variation 206305 (VCV000206305.10), dbSNP rs796052793, ClinGen allele CA316272.
Genomic context (GRCh38, chrX:100,296,629, plus strand): 5'-ATAACGCTGTTGACCTTGGGGCTGCAGATGGTCACATCGACAGTCCTCTTGCCTTTCAGG[G>A]TAGGCCTCTCCTCAGCCGGGTGGTCGCTGACATCTTTCCCAAAGGTTGCGAAAGTCCGTT-3'
Protein context (NP_001171809.1, residues 1022-1042): VSDHPAEERP[Thr1032Ile]LKGKRTVDVT